The following is an entry in ClinVar:

ClinVar aggregate classification (germline): Uncertain significance. Review status: criteria provided, multiple submitters, no conflicts (2 of 4 stars). 2 submissions from 2 submitters: Uncertain significance (2). Last evaluated 2024-06-04.

Conditions:
Simpson-Golabi-Behmel syndrome type 2. Identifiers: Orphanet 79022, MedGen C1846175, MONDO:0010265, OMIM 300209.
Joubert syndrome 10 (JBTS10). Identifiers: Orphanet 2754, MedGen C2749019, MONDO:0010431, OMIM 300804.
Orofaciodigital syndrome I (OFD1). Also called: OFDS I; Papillon-Leage and Psaume Syndrome; Oral-Facial-Digital Syndrome Type I. Identifiers: Orphanet 2750, MedGen C1510460, MONDO:0010702, OMIM 311200.
Retinitis pigmentosa 23 (RP23). Identifiers: Orphanet 791, MedGen C1419610, MONDO:0010320, OMIM 300424.
Joubert syndrome. Also called: CEREBELLOPARENCHYMAL DISORDER IV; JOUBERT-BOLTSHAUSER SYNDROME; Familial aplasia of the vermis. Identifiers: Orphanet 475, MedGen C5979921, MONDO:0018772.

Allele frequency attached by ClinVar (database versions not stated): gnomAD 0.00001.
gnomAD v4.1: 1 of 1,204,577 alleles (0.000083%); highest among the groups gnomAD compares: Admixed American, 0.0022%; no homozygotes.

Submissions (2):

Fulgent Genetics
Classification: Uncertain significance for Simpson-Golabi-Behmel syndrome type 2; Retinitis pigmentosa 23; Joubert syndrome 10; Orofaciodigital syndrome I. Last evaluated: 2024-06-04. Review status: criteria provided, single submitter. Criteria: ACMG Guidelines, 2015. Collection method: clinical testing. Allele origin: germline.

Labcorp Genetics (formerly Invitae), Labcorp
Classification: Uncertain significance for Orofaciodigital syndrome I; Joubert syndrome. Last evaluated: 2022-05-25. Review status: criteria provided, single submitter. Criteria: Invitae Variant Classification Sherloc (09022015). Collection method: clinical testing. Allele origin: germline.
Comment: In summary, the available evidence is currently insufficient to determine the role of this variant in disease. Therefore, it has been classified as a Variant of Uncertain Significance. Algorithms developed to predict the effect of missense changes on protein structure and function are either unavailable or do not agree on the potential impact of this missense change (SIFT: "Deleterious"; PolyPhen-2: "Possibly Damaging"; Align-GVGD: "Class C0"). This variant has not been reported in the literature in individuals affected with OFD1-related conditions. This variant is not present in population databases (gnomAD no frequency). This sequence change replaces alanine, which is neutral and non-polar, with serine, which is neutral and polar, at codon 648 of the OFD1 protein (p.Ala648Ser).

NM_003611.3(OFD1):c.1942G>T (p.Ala648Ser)

Gene: OFD1 (OFD1 centriole and centriolar satellite protein; plus strand). Cytogenetic location: Xp22.2.
Variant type: single nucleotide variant.
Coding change: c.1942G>T on transcript NM_003611.3 (MANE Select); coding-DNA position 1942, G replaced by T.
Protein change: p.Ala648Ser; replaces alanine 648 with serine.
Molecular consequence: missense variant.
Genome position (GRCh38, 1-based): chrX:13,760,402, G>T. VCF-style: chrX-13760402-G-T. GRCh37 (hg19) VCF-style: chrX-13778521-G-T.
Other names: c.1822G>T, p.Ala608Ser (NM_001330209.2); c.1522G>T, p.Ala508Ser (NM_001330210.2); short protein forms A508S, A648S, A608S.
Identifiers: ClinVar variation 2054995 (VCV002054995.5), dbSNP rs2047881997, ClinGen allele CA412344172.